The following is an entry in ClinVar:

NM_178862.3(STT3B):c.1398A>G (p.Pro466=)

Gene: STT3B (STT3 oligosaccharyltransferase complex catalytic subunit B; plus strand). Cytogenetic location: 3p23.
Variant type: single nucleotide variant.
Coding change: c.1398A>G on transcript NM_178862.3 (MANE Select); coding-DNA position 1398, A replaced by G.
Protein change: p.Pro466=; no amino-acid change (proline 466 retained).
Molecular consequence: synonymous variant.
Genome position (GRCh38, 1-based): chr3:31,622,167, A>G. VCF-style: chr3-31622167-A-G. GRCh37 (hg19) VCF-style: chr3-31663659-A-G.
Identifiers: ClinVar variation 387449 (VCV000387449.10), dbSNP rs143950703, ClinGen allele CA2295195.

ClinVar aggregate classification (germline): Likely benign. Review status: criteria provided, multiple submitters, no conflicts (2 of 4 stars). 3 submissions from 3 submitters: Likely benign (3). Last evaluated 2021-12-19.

Conditions:
STT3B-congenital disorder of glycosylation. Also called: STT3B-CDG; Congenital disorder of glycosylation type 1x; CDG Ix. Identifiers: Orphanet 370924, MedGen C2931007, MONDO:0014271, OMIM 615597.

Allele frequency attached by ClinVar (database versions not stated): gnomAD 0.00005 and 0.00007; 1000 Genomes Project 0.00040; ExAC 0.00012; TOPMed 0.00008; ESP Exome Variant Server 0.00023; 1000 Genomes Project 30x 0.00031.
gnomAD v4.1: 137 of 1,614,142 alleles (0.0085%); highest among the groups gnomAD compares: Middle Eastern, 0.15%; no homozygotes.

Submissions (3):

Labcorp Genetics (formerly Invitae), Labcorp
Classification: Likely benign for STT3B-congenital disorder of glycosylation. Last evaluated: 2021-12-19. Review status: criteria provided, single submitter. Criteria: Invitae Variant Classification Sherloc (09022015). Collection method: clinical testing. Allele origin: germline.

GeneDx
Classification: Likely benign. Last evaluated: 2018-03-12. Review status: criteria provided, single submitter. Criteria: GeneDx Variant Classification (06012015). Collection method: clinical testing. Allele origin: germline. Affected: yes.
Comment: This variant is considered likely benign or benign based on one or more of the following criteria: it is a conservative change, it occurs at a poorly conserved position in the protein, it is predicted to be benign by multiple in silico algorithms, and/or has population frequency not consistent with disease.

Breakthrough Genomics
Classification: Likely benign. Review status: criteria provided, single submitter. Criteria: ACMG Guidelines, 2015. Collection method: not provided. Allele origin: germline. Inheritance: Autosomal recessive inheritance. Affected: yes.